The following is an entry in ClinVar:

ClinVar aggregate classification (germline): Pathogenic (1 of 4 stars; one submission).

Conditions:
Alstrom syndrome (ALMS). Identifiers: Orphanet 64, MedGen C0268425, MONDO:0008763, OMIM 203800.

Submission:

Labcorp Genetics (formerly Invitae), Labcorp
Classification: Pathogenic for Alstrom syndrome. Last evaluated: 2022-03-20. Review status: criteria provided, single submitter. Criteria: Invitae Variant Classification Sherloc (09022015). Collection method: clinical testing. Allele origin: germline.
Comment: For these reasons, this variant has been classified as Pathogenic. This variant has not been reported in the literature in individuals affected with ALMS1-related conditions. This variant is not present in population databases (gnomAD no frequency). This sequence change creates a premature translational stop signal (p.Thr1191Glufs*13) in the ALMS1 gene. It is expected to result in an absent or disrupted protein product. Loss-of-function variants in ALMS1 are known to be pathogenic (PMID: 17594715).

Literature cited by the submitters: PubMed 17594715.

NM_001378454.1(ALMS1):c.3567_3586del (p.Thr1190fs)

Gene: ALMS1 (ALMS1 centrosome and basal body associated protein; plus strand). Cytogenetic location: 2p13.1.
Variant type: Deletion.
Coding change: c.3567_3586del on transcript NM_001378454.1 (MANE Select); coding-DNA positions 3567 to 3586, 20 bases deleted (TACCTTCTACTCACAAAGAG).
Protein change: p.Thr1190fs; shifts the reading frame from threonine 1190.
Molecular consequence: frameshift variant.
Genome position (GRCh38, 1-based): chr2:73,450,094-73,450,113, TACCTTCTACTCACAAAGAG deleted. VCF-style (leftmost placement, unchanged base first): chr2-73450093-CTACCTTCTACTCACAAAGAG-C. GRCh37 (hg19) VCF-style: chr2-73677220-CTACCTTCTACTCACAAAGAG-C.
Other names: c.3570_3589del, p.Thr1191fs (NM_015120.4); short protein forms T1191fs, T1190fs.
Identifiers: ClinVar variation 2115085 (VCV002115085.4), dbSNP rs2466098663, ClinGen allele CA2580067920.